The following is an entry in ClinVar:

ClinVar aggregate classification (germline): Uncertain significance (1 of 4 stars; one submission).

Submission:

Labcorp Genetics (formerly Invitae), Labcorp
Classification: Uncertain significance. Last evaluated: 2019-09-14. Review status: criteria provided, single submitter. Criteria: Invitae Variant Classification Sherloc (09022015). Collection method: clinical testing. Allele origin: germline.
Comment: Algorithms developed to predict the effect of missense changes on protein structure and function are either unavailable or do not agree on the potential impact of this missense change (SIFT: "Deleterious"; PolyPhen-2: "Benign"; Align-GVGD: "Class C0"). This variant has not been reported in the literature in individuals with ZNF513-related conditions. This variant is not present in population databases (ExAC no frequency). This sequence change replaces alanine with serine at codon 31 of the ZNF513 protein (p.Ala31Ser). The alanine residue is highly conserved and there is a moderate physicochemical difference between alanine and serine. In summary, the available evidence is currently insufficient to determine the role of this variant in disease. Therefore, it has been classified as a Variant of Uncertain Significance.

NM_144631.6(ZNF513):c.91G>T (p.Ala31Ser)

Gene: ZNF513 (zinc finger protein 513; minus strand). Cytogenetic location: 2p23.3.
Variant type: single nucleotide variant.
Coding change: c.91G>T on transcript NM_144631.6 (MANE Select); coding-DNA position 91, G replaced by T.
Protein change: p.Ala31Ser; replaces alanine 31 with serine.
Molecular consequence: missense variant. On other transcripts: 5 prime UTR variant (1).
Genome position (GRCh38, 1-based): chr2:27,380,213, C>A on the plus strand (G>T on the coding strand, the complement: ZNF513 is on the minus strand). VCF-style: chr2-27380213-C-A. GRCh37 (hg19) VCF-style: chr2-27603080-C-A.
Other names: c.-96G>T (NM_001201459.2); short protein forms A31S.
Identifiers: ClinVar variation 964228 (VCV000964228.9), dbSNP rs749749214, ClinGen allele CA346220084.